The following is an entry in ClinVar:

ClinVar aggregate classification (germline): Uncertain significance (1 of 4 stars; one submission).

gnomAD v4.1: 2 of 1,614,042 alleles (0.00012%); highest among the groups gnomAD compares: Admixed American, 0.0017%; no homozygotes.

Submission:

Labcorp Genetics (formerly Invitae), Labcorp
Classification: Uncertain significance. Last evaluated: 2024-01-12. Review status: criteria provided, single submitter. Criteria: Invitae Variant Classification Sherloc (09022015). Collection method: clinical testing. Allele origin: germline.
Comment: This sequence change falls in intron 16 of the JAK1 gene. It does not directly change the encoded amino acid sequence of the JAK1 protein. It affects a nucleotide within the consensus splice site. This variant is present in population databases (no rsID available, gnomAD 0.003%). This variant has not been reported in the literature in individuals affected with JAK1-related conditions. Variants that disrupt the consensus splice site are a relatively common cause of aberrant splicing (PMID: 17576681, 9536098). Algorithms developed to predict the effect of sequence changes on RNA splicing suggest that this variant is not likely to affect RNA splicing. In summary, the available evidence is currently insufficient to determine the role of this variant in disease. Therefore, it has been classified as a Variant of Uncertain Significance.

Literature cited by the submitters: PubMed 17576681; PubMed 9536098.

NM_002227.4(JAK1):c.2251+3G>A

Gene: JAK1 (Janus kinase 1; minus strand). Cytogenetic location: 1p31.3.
Variant type: single nucleotide variant.
Coding change: c.2251+3G>A on transcript NM_002227.4 (MANE Select); 3 bases into the intron after coding-DNA position 2251, G replaced by A.
Molecular consequence: intron variant.
Genome position (GRCh38, 1-based): chr1:64,844,751, C>T on the plus strand (G>A on the coding strand, the complement: JAK1 is on the minus strand). VCF-style: chr1-64844751-C-T. GRCh37 (hg19) VCF-style: chr1-65310434-C-T.
Other names: c.2251+3G>A (NM_001321852.2, NM_001321854.2, NM_001321853.2 and 3 more transcripts); c.2248+3G>A (NM_001321857.2).
Identifiers: ClinVar variation 2976004 (VCV002976004.3), dbSNP rs560024039, ClinGen allele CA523587851.